The following is an entry in ClinVar:

ClinVar aggregate classification (germline): Conflicting classifications of pathogenicity. Review status: criteria provided, conflicting classifications (1 of 4 stars). 4 submissions from 4 submitters: Uncertain significance (1); Likely benign (2). 1 of the submissions does not count toward it. Last evaluated 2025-12-30.

Conditions:
Autosomal recessive polycystic kidney disease (ARPKD). Also called: AR polycystic kidney disease. Identifiers: Orphanet 731, Orphanet 8378, MedGen C0085548, MeSH D017044, MONDO:0009889.

Allele frequency attached by ClinVar (database versions not stated): 1000 Genomes Project 30x 0.00016; 1000 Genomes Project 0.00020.
gnomAD v4.1: 7 of 1,614,198 alleles (0.00043%); highest among the groups gnomAD compares: South Asian, 0.0077%; no homozygotes.

Submissions (4):

Labcorp Genetics (formerly Invitae), Labcorp
Classification: Likely benign for Autosomal recessive polycystic kidney disease. Last evaluated: 2025-12-30. Review status: criteria provided, single submitter. Criteria: Invitae Variant Classification Sherloc (09022015). Collection method: clinical testing. Allele origin: germline.

GeneDx
Classification: Likely benign. Last evaluated: 2017-04-12. Review status: criteria provided, single submitter. Criteria: GeneDx Variant Classification (06012015). Collection method: clinical testing. Allele origin: germline. Affected: yes.
Comment: This variant is considered likely benign or benign based on one or more of the following criteria: it is a conservative change, it occurs at a poorly conserved position in the protein, it is predicted to be benign by multiple in silico algorithms, and/or has population frequency not consistent with disease.

Eurofins Ntd Llc (ga)
Classification: Uncertain significance. Last evaluated: 2016-03-25. Review status: criteria provided, single submitter. Criteria: EGL Classification Definitions 2015. Collection method: clinical testing. Allele origin: germline. Observed: 1 variant allele, 1 heterozygote.

Natera, Inc.
Classification: Likely benign for Autosomal recessive polycystic kidney disease. Last evaluated: 2020-09-16. Review status: no assertion criteria provided. Collection method: clinical testing. Allele origin: germline. Not counted in ClinVar's aggregate classification.

NM_138694.4(PKHD1):c.4257G>A (p.Arg1419=)

Gene: PKHD1 (PKHD1 ciliary IPT domain containing fibrocystin/polyductin; minus strand). Cytogenetic location: 6p12.2.
Variant type: single nucleotide variant.
Coding change: c.4257G>A on transcript NM_138694.4 (MANE Select); coding-DNA position 4257, G replaced by A.
Protein change: p.Arg1419=; no amino-acid change (arginine 1419 retained).
Molecular consequence: synonymous variant.
Genome position (GRCh38, 1-based): chr6:52,025,553, C>T on the plus strand (G>A on the coding strand, the complement: PKHD1 is on the minus strand). VCF-style: chr6-52025553-C-T. GRCh37 (hg19) VCF-style: chr6-51890351-C-T.
Other names: c.4257G>A, p.Arg1419= (NM_170724.3).
Identifiers: ClinVar variation 287100 (VCV000287100.14), dbSNP rs577832997, ClinGen allele CA3852752.